The following is an entry in ClinVar:

NM_012210.4(TRIM32):c.1518_1530del (p.Lys506fs)

Genes: ASTN2 (astrotactin 2; minus strand), TRIM32 (tripartite motif containing 32; plus strand). Cytogenetic location: 9q33.1.
Variant type: Deletion.
Coding change: c.1518_1530del on transcript NM_012210.4 (MANE Select); coding-DNA positions 1518 to 1530, 13 bases deleted (ATACAGCTGCCTA).
Protein change: p.Lys506fs; shifts the reading frame from lysine 506.
Molecular consequence: frameshift variant. On other transcripts: intron variant (3).
Genome position (GRCh38, 1-based): chr9:116,699,260-116,699,272, ATACAGCTGCCTA deleted; deleting any 13 consecutive bases within chr9:116,699,259-116,699,272 gives the same sequence; the c. name uses the placement nearest the transcript's 3' end. VCF-style (leftmost placement, unchanged base first): chr9-116699258-AAATACAGCTGCCT-A. GRCh37 (hg19) VCF-style: chr9-119461537-AAATACAGCTGCCT-A.
Other names: c.2653+26500_2653+26512del (NM_014010.5); c.2794+26500_2794+26512del (NM_001365069.1); c.2806+26500_2806+26512del (NM_001365068.1); c.1518_1530del, p.Lys506fs (NM_001099679.2, NM_001379048.1, NM_001379049.1 and 1 more transcripts); short protein forms K506fs.
Identifiers: ClinVar variation 1424414 (VCV001424414.6), dbSNP rs2132075143, ClinGen allele CA2573143777.

ClinVar aggregate classification (germline): Pathogenic (1 of 4 stars; one submission).

Conditions:
Bardet-Biedl syndrome (BBS). Identifiers: Orphanet 110, MedGen C0752166, MONDO:0015229.

Submission:

Labcorp Genetics (formerly Invitae), Labcorp
Classification: Pathogenic for Bardet-Biedl syndrome. Last evaluated: 2021-08-18. Review status: criteria provided, single submitter. Criteria: Invitae Variant Classification Sherloc (09022015). Collection method: clinical testing. Allele origin: germline.
Comment: This sequence change creates a premature translational stop signal (p.Lys506Asnfs*24) in the TRIM32 gene. While this is not anticipated to result in nonsense mediated decay, it is expected to disrupt the last 148 amino acid(s) of the TRIM32 protein. For these reasons, this variant has been classified as Pathogenic. This variant disrupts a region of the TRIM32 protein in which other variant(s) (p.Val591Met) have been determined to be pathogenic (PMID: 30823891). This suggests that this is a clinically significant region of the protein, and that variants that disrupt it are likely to be disease-causing. This variant has not been reported in the literature in individuals affected with TRIM32-related conditions. This variant is not present in population databases (ExAC no frequency).

Literature cited by the submitters: PubMed 30823891.